The following is an entry in ClinVar:

ClinVar aggregate classification (germline): Likely benign. Review status: criteria provided, multiple submitters, no conflicts (2 of 4 stars). 2 submissions from 2 submitters: Likely benign (2). Last evaluated 2025-09-15.

Conditions:
Multiple endocrine neoplasia type 2A. Also called: Multiple Endocrine Neoplasia Type 2A (MEN2A); MULTIPLE ENDOCRINE NEOPLASIA, TYPE IIA; PTC SYNDROME; SIPPLE SYNDROME; MEN 2A; MEN-2A syndrome. Identifiers: Orphanet 247698, Orphanet 653, MedGen C0025268, MeSH D018813, MONDO:0008234, OMIM 171400.
Multiple endocrine neoplasia, type 2 (MEN2). Identifiers: Orphanet 653, MedGen C4048306, MONDO:0019003. Disease mechanism: gain of function.

Allele frequency attached by ClinVar (database versions not stated): TOPMed below 0.00001.

Submissions (2):

Labcorp Genetics (formerly Invitae), Labcorp
Classification: Likely benign for Multiple endocrine neoplasia, type 2. Last evaluated: 2025-09-15. Review status: criteria provided, single submitter. Criteria: Invitae Variant Classification Sherloc (09022015). Collection method: clinical testing. Allele origin: germline.

Myriad Genetics, Inc.
Classification: Likely benign for Multiple endocrine neoplasia type 2A. Last evaluated: 2025-02-25. Review status: criteria provided, single submitter. Criteria: Myriad Autosomal Dominant, Autosomal Recessive and X-Linked Classification Criteria (2023). Collection method: clinical testing. Allele origin: unknown.
Comment: This variant is considered likely benign. This variant is intronic and is not expected to impact mRNA splicing.

NM_020975.6(RET):c.1523-6C>T

Gene: RET (ret proto-oncogene; plus strand). Cytogenetic location: 10q11.21.
Variant type: single nucleotide variant.
Coding change: c.1523-6C>T on transcript NM_020975.6 (MANE Select); 6 bases into the intron before coding-DNA position 1523, C replaced by T.
Molecular consequence: intron variant.
Genome position (GRCh38, 1-based): chr10:43,112,093, C>T. VCF-style: chr10-43112093-C-T. GRCh37 (hg19) VCF-style: chr10-43607541-C-T.
Other names: c.1523-6C>T (NM_020630.7, NM_001406743.1, NM_001406744.1 and 4 more transcripts); c.1127-6C>T (NM_001406772.1, NM_001406769.1); c.1085-6C>T (NM_001406773.1, NM_001406771.1); c.626-6C>T (NM_001406782.1, NM_001406780.1, NM_001406779.1 and 3 more transcripts); c.1394-6C>T (NM_001406764.1, NM_001406762.1, NM_001406761.1 and 1 more transcripts); c.998-6C>T (NM_001406774.1); c.497-6C>T (NM_001406786.1, NM_001406783.1); c.1235-6C>T (NM_001406770.1, NM_001406766.1, NM_001406767.1); and 5 more.
Identifiers: ClinVar variation 2171705 (VCV002171705.5), dbSNP rs1837948399, ClinGen allele CA1905812346.
Genomic context (GRCh38, chr10:43,112,093, plus strand): 5'-TTGGGCACTAGCTGGACGCTGGGCCCAGGCCAGCCCCCTGTGACCCTGCTTGTCTGCCAC[C>T]TGCAGATGTGGCCGAGGAGGCGGGCTGCCCCCTGTCCTGTGCAGTCAGCAAGAGACGGCT-3'